The following is an entry in ClinVar:

ClinVar aggregate classification (germline): Uncertain significance (1 of 4 stars; one submission).

Allele frequency attached by ClinVar (database versions not stated): gnomAD exomes below 0.00001.
gnomAD v4.1: 1 of 1,614,078 alleles (0.000062%); highest among the groups gnomAD compares: Non-Finnish European, 0.000085%; no homozygotes.

Submission:

Ambry Genetics
Classification: Uncertain significance. Last evaluated: 2021-09-13. Review status: criteria provided, single submitter. Criteria: Ambry Variant Classification Scheme 2023. Collection method: clinical testing. Allele origin: germline.
Comment: The p.I549V variant (also known as c.1645A>G), located in coding exon 15 of the RAD54L gene, results from an A to G substitution at nucleotide position 1645. The isoleucine at codon 549 is replaced by valine, an amino acid with highly similar properties. This amino acid position is conserved. In addition, this alteration is predicted to be tolerated by in silico analysis. Since supporting evidence is limited at this time, the clinical significance of this alteration remains unclear.

NM_003579.4(RAD54L):c.1645A>G (p.Ile549Val)

Gene: RAD54L (RAD54 like; plus strand). Cytogenetic location: 1p34.1.
Variant type: single nucleotide variant.
Coding change: c.1645A>G on transcript NM_003579.4 (MANE Select); coding-DNA position 1645, A replaced by G.
Protein change: p.Ile549Val; replaces isoleucine 549 with valine.
Molecular consequence: missense variant.
Genome position (GRCh38, 1-based): chr1:46,274,172, A>G. VCF-style: chr1-46274172-A-G. GRCh37 (hg19) VCF-style: chr1-46739844-A-G.
Other names: c.1645A>G, p.Ile549Val (NM_001142548.2); c.1105A>G, p.Ile369Val (NM_001370766.1); short protein forms I369V, I549V.
Identifiers: ClinVar variation 1777130 (VCV001777130.2), dbSNP rs2525716062, ClinGen allele CA340183421.